The following is an entry in ClinVar:

NM_004204.5(PIGQ):c.*339C>T

Gene: PIGQ (phosphatidylinositol glycan anchor biosynthesis class Q; plus strand). Cytogenetic location: 16p13.3.
Variant type: single nucleotide variant.
Coding change: c.*339C>T on transcript NM_004204.5 (MANE Select); 339 bases downstream of the stop codon, C replaced by T.
Molecular consequence: 3 prime UTR variant. On other transcripts: missense variant (1).
Genome position (GRCh38, 1-based): chr16:583,374, C>T. VCF-style: chr16-583374-C-T. GRCh37 (hg19) VCF-style: chr16-633374-C-T.
Other names: c.2023C>T, p.Arg675Cys (NM_148920.4); short protein forms R675C.
Identifiers: ClinVar variation 2645831 (VCV002645831.24), dbSNP rs139330965, ClinGen allele CA7780595.

ClinVar aggregate classification (germline): Uncertain significance (1 of 4 stars; one submission).

Allele frequency attached by ClinVar (database versions not stated): ExAC 0.00005; gnomAD 0.00014; ESP Exome Variant Server 0.00015; TOPMed 0.00017.
gnomAD v4.1: 118 of 1,612,434 alleles (0.0073%); highest among the groups gnomAD compares: Middle Eastern, 0.066%; no homozygotes.

Submission:

CeGaT Center for Human Genetics Tuebingen
Classification: Uncertain significance. Last evaluated: 2024-06-01. Review status: criteria provided, single submitter. Criteria: CeGaT Center For Human Genetics Tuebingen Variant Classification Criteria Version 2. Collection method: clinical testing. Allele origin: germline. Affected: yes. Observed: 4 variant alleles.
Comment: PIGQ: PM2, BP4